The following is an entry in ClinVar:

ClinVar aggregate classification (germline): Uncertain significance (1 of 4 stars; one submission).

Allele frequency attached by ClinVar (database versions not stated): gnomAD exomes below 0.00001.
gnomAD v4.1: 4 of 1,580,938 alleles (0.00025%); highest among the groups gnomAD compares: Non-Finnish European, 0.00026%; no homozygotes.

Submission:

GeneDx
Classification: Uncertain significance. Last evaluated: 2022-11-08. Review status: criteria provided, single submitter. Criteria: GeneDx Variant Classification Process June 2021. Collection method: clinical testing. Allele origin: germline. Affected: yes.
Comment: Not observed at significant frequency in large population cohorts (gnomAD); In silico analysis supports that this missense variant does not alter protein structure/function; Has not been previously published as pathogenic or benign to our knowledge

NM_015330.6(SPECC1L):c.1768G>A (p.Val590Met)

Genes: SPECC1L (sperm antigen with calponin homology and coiled-coil domains 1 like; plus strand), SPECC1L-ADORA2A (SPECC1L-ADORA2A readthrough (NMD candidate); plus strand). Cytogenetic location: 22q11.23.
Variant type: single nucleotide variant.
Coding change: c.1768G>A on transcript NM_015330.6 (MANE Select); coding-DNA position 1768, G replaced by A.
Protein change: p.Val590Met; replaces valine 590 with methionine.
Molecular consequence: missense variant. On other transcripts: non-coding transcript variant (1).
Genome position (GRCh38, 1-based): chr22:24,322,748, G>A. VCF-style: chr22-24322748-G-A. GRCh37 (hg19) VCF-style: chr22-24718716-G-A.
Other names: c.1768G>A, p.Val590Met (NM_001145468.4, NM_001254732.3); short protein forms V590M.
Identifiers: ClinVar variation 2501435 (VCV002501435.1), dbSNP rs1601553401, ClinGen allele CA410972015.